The following is an entry in ClinVar:

ClinVar aggregate classification (germline): Uncertain significance. Review status: criteria provided, multiple submitters, no conflicts (2 of 4 stars). 3 submissions from 3 submitters: Uncertain significance (3). Last evaluated 2026-04-20.

Conditions:
Cardiovascular phenotype. Identifiers: MedGen CN230736.

Allele frequency attached by ClinVar (database versions not stated): ExAC 0.00004.
gnomAD v4.1: 14 of 1,613,610 alleles (0.00087%); highest among the groups gnomAD compares: Admixed American, 0.0033%; no homozygotes.

Submissions (3):

Women's Health and Genetics/Laboratory Corporation of America, LabCorp
Classification: Uncertain significance. Last evaluated: 2026-04-20. Review status: criteria provided, single submitter. Criteria: LabCorp Variant Classification Summary - May 2015. Collection method: clinical testing. Allele origin: germline.
Comment: Variant summary: TNXB c.8983C>T (p.Arg2995Cys) results in a non-conservative amino acid change in the encoded protein sequence. Algorithms developed to predict the effect of missense changes on protein structure and function are either unavailable or do not agree on the potential impact of this missense change. The variant allele was found at a frequency of 2e-05 in 246032 control chromosomes. The available data on variant occurrences in the general population are insufficient to allow any conclusion about variant significance. To our knowledge, no occurrence of c.8983C>T in individuals affected with TNXB-related conditions and no experimental evidence demonstrating its impact on protein function have been reported. ClinVar contains an entry for this variant (Variation ID: 1315217). Based on the evidence outlined above, the variant was classified as uncertain significance.

Ambry Genetics
Classification: Uncertain significance for Cardiovascular phenotype. Last evaluated: 2023-02-23. Review status: criteria provided, single submitter. Criteria: Ambry Variant Classification Scheme 2023. Collection method: clinical testing. Allele origin: germline.
Comment: The p.R2995C variant (also known as c.8983C>T), located in coding exon 25 of the TNXB gene, results from a C to T substitution at nucleotide position 8983. The arginine at codon 2995 is replaced by cysteine, an amino acid with highly dissimilar properties. This amino acid position is conserved. In addition, the in silico prediction for this alteration is inconclusive. Since supporting evidence is limited at this time, the clinical significance of this alteration remains unclear.

GeneDx
Classification: Uncertain significance. Last evaluated: 2020-01-30. Review status: criteria provided, single submitter. Criteria: GeneDx Variant Classification Process June 2021. Collection method: clinical testing. Allele origin: germline. Affected: yes.
Comment: Has not been previously published as pathogenic or benign to our knowledge; Not observed at a significant frequency in large population cohorts (Lek et al., 2016); In silico analysis supports that this missense variant has a deleterious effect on protein structure/function

NM_001365276.2(TNXB):c.8989C>T (p.Arg2997Cys)

Gene: TNXB (tenascin XB; minus strand). Cytogenetic location: 6p21.33.
Variant type: single nucleotide variant.
Coding change: c.8989C>T on transcript NM_001365276.2 (MANE Select); coding-DNA position 8989, C replaced by T.
Protein change: p.Arg2997Cys; replaces arginine 2997 with cysteine.
Molecular consequence: missense variant.
Genome position (GRCh38, 1-based): chr6:32,052,796, G>A on the plus strand (C>T on the coding strand, the complement: TNXB is on the minus strand). VCF-style: chr6-32052796-G-A. GRCh37 (hg19) VCF-style: chr6-32020573-G-A.
Other names: c.8983C>T, p.Arg2995Cys (NM_019105.8); short protein forms R2995C, R2997C.
Identifiers: ClinVar variation 1315217 (VCV001315217.5), dbSNP rs769065624, ClinGen allele CA3733688.